The following is an entry in ClinVar:

NM_007129.5(ZIC2):c.692ACC[7] (p.His238_His239del)

Gene: ZIC2 (Zic family zinc finger 2; plus strand). Cytogenetic location: 13q32.3.
Variant type: Microsatellite.
Coding change: c.692ACC[7] on transcript NM_007129.5 (MANE Select); seven copies in a row of the 3-base unit ACC starting at c.692; the reference has nine copies in a row; two copies, 6 bases deleted.
Protein change: p.His238_His239del.
Molecular consequence: inframe deletion.
Genome position (GRCh38, 1-based): chr13:99,982,777-99,982,782, ACCACC deleted; deleting any 6 consecutive bases within chr13:99,982,754-99,982,782 gives the same sequence; the position shown is the placement nearest the transcript's 3' end. VCF-style (leftmost placement, unchanged base first): chr13-99982753-CCCACCA-C. GRCh37 (hg19) VCF-style: chr13-100635007-CCCACCA-C.
Identifiers: ClinVar variation 2186102 (VCV002186102.28), dbSNP rs398124241, ClinGen allele CA7032842.

ClinVar aggregate classification (germline): Uncertain significance. Review status: criteria provided, multiple submitters, no conflicts (2 of 4 stars). 2 submissions from 2 submitters: Uncertain significance (2). Last evaluated 2025-11-27.

Conditions:
Holoprosencephaly 5 (HPE5). Identifiers: Orphanet 2162, MedGen C1864827, MONDO:0012322, OMIM 609637.

Submissions (2):

Labcorp Genetics (formerly Invitae), Labcorp
Classification: Uncertain significance for Holoprosencephaly 5. Last evaluated: 2025-11-27. Review status: criteria provided, single submitter. Criteria: Invitae Variant Classification Sherloc (09022015). Collection method: clinical testing. Allele origin: germline.
Comment: This variant, c.713_718del, results in the deletion of 2 amino acid(s) of the ZIC2 protein (p.His238_His239del), but otherwise preserves the integrity of the reading frame. The frequency data for this variant in the population databases is considered unreliable, as metrics indicate poor data quality at this position in the gnomAD database. This variant has not been reported in the literature in individuals affected with ZIC2-related conditions. Experimental studies and prediction algorithms are not available or were not evaluated, and the functional significance of this variant is currently unknown. In summary, the available evidence is currently insufficient to determine the role of this variant in disease. Therefore, it has been classified as a Variant of Uncertain Significance.

CeGaT Center for Human Genetics Tuebingen
Classification: Uncertain significance. Last evaluated: 2022-09-01. Review status: criteria provided, single submitter. Criteria: CeGaT Center For Human Genetics Tuebingen Variant Classification Criteria Version 2. Collection method: clinical testing. Allele origin: germline. Affected: yes. Observed: 2 variant alleles.